The following is an entry in ClinVar:

NM_015073.3(SIPA1L3):c.4812C>T (p.Ala1604=)

Gene: SIPA1L3 (signal induced proliferation associated 1 like 3; plus strand). Cytogenetic location: 19q13.13.
Variant type: single nucleotide variant.
Coding change: c.4812C>T on transcript NM_015073.3 (MANE Select); coding-DNA position 4812, C replaced by T.
Protein change: p.Ala1604=; no amino-acid change (alanine 1604 retained).
Molecular consequence: synonymous variant.
Genome position (GRCh38, 1-based): chr19:38,193,752, C>T. VCF-style: chr19-38193752-C-T. GRCh37 (hg19) VCF-style: chr19-38684392-C-T.
Identifiers: ClinVar variation 1318216 (VCV001318216.36), dbSNP rs143617253, ClinGen allele CA9410488.

ClinVar aggregate classification (germline): Benign/Likely benign. Review status: criteria provided, multiple submitters, no conflicts (2 of 4 stars). 6 submissions from 6 submitters: Benign (1); Likely benign (4). 1 of the submissions does not count toward it. Last evaluated 2025-06-02.

Conditions:
SIPA1L3-related disorder. Also called: SIPA1L3-related condition.

Allele frequency attached by ClinVar (database versions not stated): 1000 Genomes Project 0.00040; 1000 Genomes Project 30x 0.00078; ESP Exome Variant Server 0.00191; TOPMed 0.00229; gnomAD 0.00252 and 0.00254; gnomAD exomes 0.00261; ExAC 0.00415.
gnomAD v4.1: 5,380 of 1,572,954 alleles (0.34%); highest among the groups gnomAD compares: Non-Finnish European, 0.4%; 13 homozygotes.

Submissions (6):

Labcorp Genetics (formerly Invitae), Labcorp
Classification: Benign. Last evaluated: 2025-06-02. Review status: criteria provided, single submitter. Criteria: Invitae Variant Classification Sherloc (09022015). Collection method: clinical testing. Allele origin: germline.

Blueprint Genetics
Classification: Likely benign. Last evaluated: 2024-11-28. Review status: criteria provided, single submitter. Criteria: ACMG Guidelines, 2015. Collection method: clinical testing. Allele origin: germline.

CeGaT Center for Human Genetics Tuebingen
Classification: Likely benign. Last evaluated: 2023-03-01. Review status: criteria provided, single submitter. Criteria: CeGaT Center For Human Genetics Tuebingen Variant Classification Criteria Version 2. Collection method: clinical testing. Allele origin: germline. Affected: yes. Observed: 2 variant alleles.
Comment: SIPA1L3: BP4, BP7, BS2

GeneDx
Classification: Likely benign. Last evaluated: 2019-09-10. Review status: criteria provided, single submitter. Criteria: GeneDx Variant Classification Process June 2021. Collection method: clinical testing. Allele origin: germline. Affected: yes.

Breakthrough Genomics
Classification: Likely benign. Review status: criteria provided, single submitter. Criteria: ACMG Guidelines, 2015. Collection method: not provided. Allele origin: germline. Inheritance: Autosomal recessive inheritance. Affected: yes.

PreventionGenetics, part of Exact Sciences
Classification: Likely benign for SIPA1L3-related condition. Last evaluated: 2020-03-06. Review status: no assertion criteria provided. Collection method: clinical testing. Allele origin: germline. Not counted in ClinVar's aggregate classification.
Comment: This variant is classified as likely benign based on ACMG/AMP sequence variant interpretation guidelines (Richards et al. 2015 PMID: 25741868, with internal and published modifications).